The following is an entry in ClinVar:

ClinVar aggregate classification (germline): Likely benign (0 of 4 stars; one submission).

Conditions:
TBX21-related disorder. Also called: TBX21-related condition.

Allele frequency attached by ClinVar (database versions not stated): gnomAD exomes 0.00019; ExAC 0.00056; 1000 Genomes Project 30x 0.00125; gnomAD 0.00133; 1000 Genomes Project 0.00140; ESP Exome Variant Server 0.00146.
gnomAD v4.1: 483 of 1,614,208 alleles (0.03%); highest among the groups gnomAD compares: African/African-American, 0.52%; 2 homozygotes.

Submission:

PreventionGenetics, part of Exact Sciences
Classification: Likely benign for TBX21-related condition. Last evaluated: 2019-10-28. Review status: no assertion criteria provided. Collection method: clinical testing. Allele origin: germline.
Comment: This variant is classified as likely benign based on ACMG/AMP sequence variant interpretation guidelines (Richards et al. 2015 PMID: 25741868, with internal and published modifications).

NM_013351.2(TBX21):c.903C>T (p.Ala301=)

Gene: TBX21 (T-box transcription factor 21; plus strand). Cytogenetic location: 17q21.32.
Variant type: single nucleotide variant.
Coding change: c.903C>T on transcript NM_013351.2 (MANE Select); coding-DNA position 903, C replaced by T.
Protein change: p.Ala301=; no amino-acid change (alanine 301 retained).
Molecular consequence: synonymous variant.
Genome position (GRCh38, 1-based): chr17:47,744,329, C>T. VCF-style: chr17-47744329-C-T. GRCh37 (hg19) VCF-style: chr17-45821695-C-T.
Identifiers: ClinVar variation 3040058 (VCV003040058.2), dbSNP rs144813252, ClinGen allele CA8626390.